The following is an entry in ClinVar:

NM_145200.5(CABP4):c.143T>A (p.Leu48His)

Gene: CABP4 (calcium binding protein 4; plus strand). Cytogenetic location: 11q13.2.
Variant type: single nucleotide variant.
Coding change: c.143T>A on transcript NM_145200.5 (MANE Select); coding-DNA position 143, T replaced by A.
Protein change: p.Leu48His; replaces leucine 48 with histidine.
Molecular consequence: missense variant. On other transcripts: 5 prime UTR variant (2), non-coding transcript variant (1), intron variant (1).
Genome position (GRCh38, 1-based): chr11:67,455,566, T>A. VCF-style: chr11-67455566-T-A. GRCh37 (hg19) VCF-style: chr11-67223037-T-A.
Other names: c.-241T>A (NM_001300895.3); c.-255T>A (NM_001379183.1); c.-112-143T>A (NM_001300896.3); short protein forms L48H.
Identifiers: ClinVar variation 1377093 (VCV001377093.8), dbSNP rs747441168, ClinGen allele CA6140077.

ClinVar aggregate classification (germline): Uncertain significance (1 of 4 stars; one submission).

Allele frequency attached by ClinVar (database versions not stated): TOPMed below 0.00001; gnomAD 0.00001.
gnomAD v4.1: 7 of 1,601,632 alleles (0.00044%); highest among the groups gnomAD compares: African/African-American, 0.0027%; no homozygotes.

Submission:

Labcorp Genetics (formerly Invitae), Labcorp
Classification: Uncertain significance. Last evaluated: 2022-02-24. Review status: criteria provided, single submitter. Criteria: Invitae Variant Classification Sherloc (09022015). Collection method: clinical testing. Allele origin: germline.
Comment: This sequence change replaces leucine, which is neutral and non-polar, with histidine, which is basic and polar, at codon 48 of the CABP4 protein (p.Leu48His). This variant is present in population databases (rs747441168, gnomAD 0.002%). This variant has not been reported in the literature in individuals affected with CABP4-related conditions. Advanced modeling of protein sequence and biophysical properties (such as structural, functional, and spatial information, amino acid conservation, physicochemical variation, residue mobility, and thermodynamic stability) performed at Invitae indicates that this missense variant is not expected to disrupt CABP4 protein function. In summary, the available evidence is currently insufficient to determine the role of this variant in disease. Therefore, it has been classified as a Variant of Uncertain Significance.